The following is an entry in ClinVar:

NM_015488.5(PNKD):c.533G>C (p.Ser178Thr)

Genes: CATIP-AS2 (CATIP antisense RNA 2; minus strand), PNKD (PNKD metallo-beta-lactamase domain containing; plus strand). Cytogenetic location: 2q35.
Variant type: single nucleotide variant.
Coding change: c.533G>C on transcript NM_015488.5 (MANE Select); coding-DNA position 533, G replaced by C.
Protein change: p.Ser178Thr; replaces serine 178 with threonine.
Molecular consequence: missense variant.
Genome position (GRCh38, 1-based): chr2:218,341,542, G>C. VCF-style: chr2-218341542-G-C. GRCh37 (hg19) VCF-style: chr2-219206265-G-C.
Other names: c.461G>C, p.Ser154Thr (NM_022572.5); short protein forms S154T, S178T.
Identifiers: ClinVar variation 2904156 (VCV002904156.4), dbSNP rs147885219, ClinGen allele CA350540304.

ClinVar aggregate classification (germline): Uncertain significance. Review status: criteria provided, multiple submitters, no conflicts (2 of 4 stars). 2 submissions from 2 submitters: Uncertain significance (2). Last evaluated 2025-08-10.

Conditions:
Inborn genetic diseases. Identifiers: MedGen C0950123, MeSH D030342.
Paroxysmal nonkinesigenic dyskinesia. Also called: Paroxysmal non-kinesigenic dyskinesia. Identifiers: Orphanet 98810, MedGen C1869117, MONDO:0700088.

gnomAD v4.1: 3 of 1,598,990 alleles (0.00019%); highest among the groups gnomAD compares: African/African-American, 0.004%; no homozygotes.

Submissions (2):

Ambry Genetics
Classification: Uncertain significance for Inborn genetic diseases. Last evaluated: 2025-08-10. Review status: criteria provided, single submitter. Criteria: Ambry Variant Classification Scheme 2023. Collection method: clinical testing. Allele origin: germline.

Labcorp Genetics (formerly Invitae), Labcorp
Classification: Uncertain significance for Paroxysmal nonkinesigenic dyskinesia. Last evaluated: 2025-02-12. Review status: criteria provided, single submitter. Criteria: Invitae Variant Classification Sherloc (09022015). Collection method: clinical testing. Allele origin: germline.
Comment: This sequence change replaces serine, which is neutral and polar, with threonine, which is neutral and polar, at codon 178 of the PNKD protein (p.Ser178Thr). This variant is not present in population databases (gnomAD no frequency). This variant has not been reported in the literature in individuals affected with PNKD-related conditions. ClinVar contains an entry for this variant (Variation ID: 2904156). Invitae Evidence Modeling of protein sequence and biophysical properties (such as structural, functional, and spatial information, amino acid conservation, physicochemical variation, residue mobility, and thermodynamic stability) indicates that this missense variant is not expected to disrupt PNKD protein function with a negative predictive value of 80%. In summary, the available evidence is currently insufficient to determine the role of this variant in disease. Therefore, it has been classified as a Variant of Uncertain Significance.